The following is an entry in ClinVar:

ClinVar aggregate classification (germline): Uncertain significance. Review status: criteria provided, multiple submitters, no conflicts (2 of 4 stars). 2 submissions from 2 submitters: Uncertain significance (2). Last evaluated 2024-10-24.

Conditions:
CPS1-related disorder. Also called: CPS1-related condition.
Congenital hyperammonemia, type I. Also called: Carbamoyl phosphate synthetase 1 deficiency; Hyperammonemia due to carbamoyl phosphate synthetase 1 deficiency; CPS 1 deficiency; Carbamyl phosphate synthetase (CPS) deficiency; Carbamoyl-phosphate synthase I deficiency; Carbamoyl phosphate synthetase I deficiency disease. Identifiers: Orphanet 147, MedGen C4082171, MONDO:0009376, OMIM 237300.

Allele frequency attached by ClinVar (database versions not stated): ExAC 0.00002; gnomAD 0.00003; gnomAD exomes 0.00004; TOPMed 0.00004; ESP Exome Variant Server 0.00015.
gnomAD v4.1: 63 of 1,611,058 alleles (0.0039%); highest among the groups gnomAD compares: Non-Finnish European, 0.0047%; no homozygotes.

Submissions (2):

Labcorp Genetics (formerly Invitae), Labcorp
Classification: Uncertain significance for Congenital hyperammonemia, type I. Last evaluated: 2024-10-24. Review status: criteria provided, single submitter. Criteria: Invitae Variant Classification Sherloc (09022015). Collection method: clinical testing. Allele origin: germline.
Comment: This sequence change replaces serine, which is neutral and polar, with phenylalanine, which is neutral and non-polar, at codon 863 of the CPS1 protein (p.Ser863Phe). This variant is present in population databases (rs369672022, gnomAD 0.006%). This variant has not been reported in the literature in individuals affected with CPS1-related conditions. ClinVar contains an entry for this variant (Variation ID: 2151494). Invitae Evidence Modeling of protein sequence and biophysical properties (such as structural, functional, and spatial information, amino acid conservation, physicochemical variation, residue mobility, and thermodynamic stability) indicates that this missense variant is not expected to disrupt CPS1 protein function with a negative predictive value of 95%. In summary, the available evidence is currently insufficient to determine the role of this variant in disease. Therefore, it has been classified as a Variant of Uncertain Significance.

PreventionGenetics, part of Exact Sciences
Classification: Uncertain significance for CPS1-related condition. Last evaluated: 2023-03-28. Review status: criteria provided, single submitter. Criteria: ACMG Guidelines, 2015. Collection method: clinical testing. Allele origin: germline.
Comment: The CPS1 c.2588C>T variant is predicted to result in the amino acid substitution p.Ser863Phe. To our knowledge, this variant has not been reported in the literature. This variant is reported in 0.0071% of alleles in individuals of European (Non-Finnish) descent in gnomAD. At this time, the clinical significance of this variant is uncertain due to the absence of conclusive functional and genetic evidence.

NM_001875.5(CPS1):c.2588C>T (p.Ser863Phe)

Gene: CPS1 (carbamoyl-phosphate synthase 1; plus strand). Cytogenetic location: 2q34.
Variant type: single nucleotide variant.
Coding change: c.2588C>T on transcript NM_001875.5 (MANE Select); coding-DNA position 2588, C replaced by T.
Protein change: p.Ser863Phe; replaces serine 863 with phenylalanine.
Molecular consequence: missense variant. On other transcripts: non-coding transcript variant (2).
Genome position (GRCh38, 1-based): chr2:210,616,442, C>T. VCF-style: chr2-210616442-C-T. GRCh37 (hg19) VCF-style: chr2-211481166-C-T.
Other names: c.2588C>T, p.Ser863Phe (NM_001122633.3, NM_001369257.1); c.2621C>T, p.Ser874Phe (NM_001369256.1); short protein forms S863F, S874F.
Identifiers: ClinVar variation 2151494 (VCV002151494.3), dbSNP rs369672022, ClinGen allele CA2086689.